The following is an entry in ClinVar:

ClinVar aggregate classification (germline): Uncertain significance (1 of 4 stars; one submission).

Conditions:
Early-infantile DEE. Also called: Early infantile epileptic encephalopathy; Ohtahara syndrome; Early infantile epileptic encephalopathy with suppression bursts. Identifiers: Orphanet 1934, MedGen C0393706, MONDO:0800491.

Allele frequency attached by ClinVar (database versions not stated): gnomAD exomes 0.00001; TOPMed below 0.00001.
gnomAD v4.1: 8 of 1,613,814 alleles (0.0005%); highest among the groups gnomAD compares: Non-Finnish European, 0.00068%; no homozygotes.

Submission:

Labcorp Genetics (formerly Invitae), Labcorp
Classification: Uncertain significance for Early-infantile DEE. Last evaluated: 2023-10-23. Review status: criteria provided, single submitter. Criteria: Invitae Variant Classification Sherloc (09022015). Collection method: clinical testing. Allele origin: germline.
Comment: This sequence change replaces glycine, which is neutral and non-polar, with alanine, which is neutral and non-polar, at codon 96 of the GNAO1 protein (p.Gly96Ala). This variant is present in population databases (rs189990922, gnomAD 0.002%). This variant has not been reported in the literature in individuals affected with GNAO1-related conditions. ClinVar contains an entry for this variant (Variation ID: 1964915). Advanced modeling of protein sequence and biophysical properties (such as structural, functional, and spatial information, amino acid conservation, physicochemical variation, residue mobility, and thermodynamic stability) performed at Invitae indicates that this missense variant is not expected to disrupt GNAO1 protein function with a negative predictive value of 95%. In summary, the available evidence is currently insufficient to determine the role of this variant in disease. Therefore, it has been classified as a Variant of Uncertain Significance.

NM_020988.3(GNAO1):c.287G>C (p.Gly96Ala)

Gene: GNAO1 (G protein subunit alpha o1; plus strand). Cytogenetic location: 16q13.
Variant type: single nucleotide variant.
Coding change: c.287G>C on transcript NM_020988.3 (MANE Select); coding-DNA position 287, G replaced by C.
Protein change: p.Gly96Ala; replaces glycine 96 with alanine.
Molecular consequence: missense variant.
Genome position (GRCh38, 1-based): chr16:56,276,056, G>C. VCF-style: chr16-56276056-G-C. GRCh37 (hg19) VCF-style: chr16-56309968-G-C.
Other names: c.287G>C, p.Gly96Ala (NM_138736.3); short protein forms G96A.
Identifiers: ClinVar variation 1964915 (VCV001964915.5), dbSNP rs189990922, ClinGen allele CA8063714.